The following is an entry in ClinVar:

ClinVar aggregate classification (germline): Uncertain significance (1 of 4 stars; one submission).

Conditions:
Jeune thoracic dystrophy. Also called: Jeune syndrome; Infantile thoracic dystrophy; Thoracic pelvic phalangeal dystrophy; Jeune's syndrome; Chondroectodermal dysplasia-like syndrome; Short-rib thoracic dysplasia. Identifiers: Orphanet 474, MedGen C0265275, MONDO:0018770.

Allele frequency attached by ClinVar (database versions not stated): gnomAD exomes below 0.00001; ExAC 0.00001; gnomAD 0.00001; TOPMed 0.00001.
gnomAD v4.1: 4 of 1,612,452 alleles (0.00025%); highest among the groups gnomAD compares: African/African-American, 0.0027%; no homozygotes.

Submission:

Labcorp Genetics (formerly Invitae), Labcorp
Classification: Uncertain significance for Jeune thoracic dystrophy. Last evaluated: 2021-09-01. Review status: criteria provided, single submitter. Criteria: Invitae Variant Classification Sherloc (09022015). Collection method: clinical testing. Allele origin: germline.
Comment: This sequence change replaces methionine with valine at codon 508 of the IFT80 protein (p.Met508Val). The methionine residue is moderately conserved and there is a small physicochemical difference between methionine and valine. This variant is present in population databases (rs747457756, ExAC 0.002%). This variant has not been reported in the literature in individuals affected with IFT80-related conditions. Algorithms developed to predict the effect of missense changes on protein structure and function (SIFT, PolyPhen-2, Align-GVGD) all suggest that this variant is likely to be tolerated. In summary, the available evidence is currently insufficient to determine the role of this variant in disease. Therefore, it has been classified as a Variant of Uncertain Significance.

NM_020800.3(IFT80):c.1522A>G (p.Met508Val)

Genes: TRIM59-IFT80 (TRIM59-IFT80 readthrough (NMD candidate); minus strand), IFT80 (intraflagellar transport 80; minus strand). Cytogenetic location: 3q25.33.
Variant type: single nucleotide variant.
Coding change: c.1522A>G on transcript NM_020800.3 (MANE Select); coding-DNA position 1522, A replaced by G.
Protein change: p.Met508Val; replaces methionine 508 with valine.
Molecular consequence: missense variant. On other transcripts: non-coding transcript variant (3).
Genome position (GRCh38, 1-based): chr3:160,280,809, T>C on the plus strand (A>G on the coding strand, the complement: IFT80 is on the minus strand). VCF-style: chr3-160280809-T-C. GRCh37 (hg19) VCF-style: chr3-159998597-T-C.
Other names: c.1111A>G, p.Met371Val (NM_001190241.2, NM_001190242.2); short protein forms M508V, M371V.
Identifiers: ClinVar variation 1480221 (VCV001480221.5), dbSNP rs747457756, ClinGen allele CA2685118.